The following is an entry in ClinVar:

NM_001371928.1(AHDC1):c.1208_1244del (p.Arg403fs)

Gene: AHDC1 (AT-hook DNA binding motif containing 1; minus strand). Cytogenetic location: 1p36.11.
Variant type: Deletion.
Coding change: c.1208_1244del on transcript NM_001371928.1 (MANE Select); coding-DNA positions 1208 to 1244, 37 bases deleted.
Protein change: p.Arg403fs; shifts the reading frame from arginine 403.
Molecular consequence: frameshift variant.
Genome position (GRCh38, 1-based): chr1:27,550,872-27,550,908, 37 bases deleted; deleting any 37 consecutive bases within chr1:27,550,872-27,550,909 gives the same sequence; the c. name uses the placement nearest the transcript's 3' end. GRCh37 (hg19): chr1:27,877,384-27,877,420.
Other names: c.1208_1244del, p.Arg403fs (NM_001029882.3); short protein forms R403fs.
Identifiers: ClinVar variation 2826240 (VCV002826240.3), dbSNP rs2522029781, ClinGen allele CA2739272428.

ClinVar aggregate classification (germline): Pathogenic (1 of 4 stars; one submission).

Submission:

Labcorp Genetics (formerly Invitae), Labcorp
Classification: Pathogenic. Last evaluated: 2023-01-05. Review status: criteria provided, single submitter. Criteria: Invitae Variant Classification Sherloc (09022015). Collection method: clinical testing. Allele origin: germline.
Comment: For these reasons, this variant has been classified as Pathogenic. This variant has not been reported in the literature in individuals affected with AHDC1-related conditions. This variant is not present in population databases (gnomAD no frequency). This sequence change creates a premature translational stop signal (p.Arg403Profs*37) in the AHDC1 gene. It is expected to result in an absent or disrupted protein product. Loss-of-function variants in AHDC1 are known to be pathogenic (PMID: 24791903, 27148574).

Literature cited by the submitters: PubMed 24791903; PubMed 27148574.